The following is an entry in ClinVar:

ClinVar aggregate classification (germline): Pathogenic (0 of 4 stars; one submission).

Conditions:
Fanconi anemia complementation group A (FANCA). Also called: Fanconi anemia, group A; FANCA-Related Fanconi Anemia. Identifiers: Orphanet 84, MedGen C3469521, MONDO:0009215, OMIM 227650.

Submission:

Leiden Open Variation Database
Classification: Pathogenic for Fanconi anemia complementation group A. Last evaluated: 2020-02-28. Review status: no assertion criteria provided. Collection method: curation. Allele origin: germline. Affected: yes.
Comment: Curator: Arleen D. Auerbach. Submitters to LOVD: Arleen D. Auerbach, Johan de Winter, Sue Richards.

Literature cited by the submitters: PubMed 09721219; PubMed 12955722; PubMed 16084127; PubMed 17924555; PubMed 25168418.

NC_000016.10:g.(?_89737551)_(89816657_?)del

Genes: FANCA (FA complementation group A; minus strand), ZNF276 (zinc finger protein 276; plus strand). Cytogenetic location: 16q24.3.
Variant type: Deletion.
Identifiers: ClinVar variation 974184 (VCV000974184.1).